The following is an entry in ClinVar:

ClinVar aggregate classification (germline): Uncertain significance (1 of 4 stars; one submission).

Submission:

GeneDx
Classification: Uncertain significance. Last evaluated: 2024-09-11. Review status: criteria provided, single submitter. Criteria: GeneDx Variant Classification Process June 2021. Collection method: clinical testing. Allele origin: germline. Affected: yes.
Comment: Not observed at significant frequency in large population cohorts (gnomAD); In silico analysis supports that this missense variant has a deleterious effect on protein structure/function; Has not been previously published as pathogenic or benign to our knowledge

NM_006885.4(ZFHX3):c.6572A>C (p.His2191Pro)

Genes: ZFHX3 (zinc finger homeobox 3; minus strand), ZFHX3-AS1 (ZFHX3 antisense RNA 1; plus strand). Cytogenetic location: 16q22.2.
Variant type: single nucleotide variant.
Coding change: c.6572A>C on transcript NM_006885.4 (MANE Select); coding-DNA position 6572, A replaced by C.
Protein change: p.His2191Pro; replaces histidine 2191 with proline.
Molecular consequence: missense variant.
Genome position (GRCh38, 1-based): chr16:72,796,110, T>G on the plus strand (A>C on the coding strand, the complement: ZFHX3 is on the minus strand). VCF-style: chr16-72796110-T-G. GRCh37 (hg19) VCF-style: chr16-72830009-T-G.
Other names: c.3830A>C, p.His1277Pro (NM_001164766.2); c.6572A>C, p.His2191Pro (NM_001386735.1); short protein forms H1277P, H2191P.
Identifiers: ClinVar variation 3770092 (VCV003770092.1).